The following is an entry in ClinVar:

NM_002778.4(PSAP):c.70G>T (p.Glu24Ter)

Gene: PSAP (prosaposin; minus strand). Cytogenetic location: 10q22.1.
Variant type: single nucleotide variant.
Coding change: c.70G>T on transcript NM_002778.4 (MANE Select); coding-DNA position 70, G replaced by T.
Protein change: p.Glu24Ter; replaces glutamic acid 24 with a stop codon.
Molecular consequence: nonsense.
Genome position (GRCh38, 1-based): chr10:71,834,476, C>A on the plus strand (G>T on the coding strand, the complement: PSAP is on the minus strand). VCF-style: chr10-71834476-C-A. GRCh37 (hg19) VCF-style: chr10-73594233-C-A.
Other names: c.70G>T, p.Glu24Ter (NM_001042465.3, NM_001042466.3); short protein forms E24*.
Identifiers: ClinVar variation 4815083 (VCV004815083.1).

ClinVar aggregate classification (germline): Likely pathogenic (1 of 4 stars; one submission).

Conditions:
Metachromatic leukodystrophy (MLD). Also called: Cerebral sclerosis diffuse metachromatic form; Arylsulfatase A Deficiency; ARSA DEFICIENCY; CEREBROSIDE SULFATASE DEFICIENCY; METACHROMATIC LEUKOENCEPHALOPATHY; SULFATIDE LIPIDOSIS. Identifiers: Orphanet 512, MedGen C0023522, MONDO:0018868, OMIM 250100.

Submission:

Natera, Inc.
Classification: Likely pathogenic for Metachromatic leukodystrophy. Last evaluated: 2024-03-28. Review status: criteria provided, single submitter. Criteria: Natera Variant Classification Schema (03/2026). Collection method: clinical testing. Allele origin: germline.
Comment: The c.70G>T variant in PSAP is a nonsense variant predicted to introduce a stop codon at amino acid 24. This variant is expected to result in nonsense mediated decay, truncation, or a dysfunctional protein product. This variant is rare in the general population with a frequency below the threshold expected for the associated phenotype(s). Given the available evidence, this variant is classified as Likely Pathogenic.